The following is an entry in ClinVar:

NM_004004.6(GJB2):c.419T>G (p.Ile140Ser)

Gene: GJB2 (gap junction protein beta 2; minus strand). Cytogenetic location: 13q12.11.
Variant type: single nucleotide variant.
Coding change: c.419T>G on transcript NM_004004.6 (MANE Select); coding-DNA position 419, T replaced by G.
Protein change: p.Ile140Ser; replaces isoleucine 140 with serine.
Molecular consequence: missense variant.
Genome position (GRCh38, 1-based): chr13:20,189,163, A>C on the plus strand (T>G on the coding strand, the complement: GJB2 is on the minus strand). VCF-style: chr13-20189163-A-C. GRCh37 (hg19) VCF-style: chr13-20763302-A-C.
Other names: short protein forms I140S.
Identifiers: ClinVar variation 2643669 (VCV002643669.24), dbSNP rs2500250416, ClinGen allele CA387461185.
Genomic context (GRCh38, chr13:20,189,163, plus strand): 5'-CCGTCGTACATGACATAGAAGACGTACATGAAGGCGGCTTCGAAGATGACCCGGAAGAAG[A>C]TGCTGCTTGTGTAGGTCCACCACAGGGAGCCTTCGATGCGGACCTTCTGGGTTTTGATCT-3'
Protein context (NP_003995.2, residues 130-150): GSLWWTYTSS[Ile140Ser]FFRVIFEAAF

ClinVar aggregate classification (germline): Uncertain significance (1 of 4 stars; one submission).

Submission:

CeGaT Center for Human Genetics Tuebingen
Classification: Uncertain significance. Last evaluated: 2022-08-01. Review status: criteria provided, single submitter. Criteria: CeGaT Center For Human Genetics Tuebingen Variant Classification Criteria Version 2. Collection method: clinical testing. Allele origin: germline. Affected: yes. Observed: 1 variant allele.
Comment: GJB2: PM2, PM3